The following is an entry in ClinVar:

NM_013339.4(ALG6):c.1436G>T (p.Cys479Phe)

Gene: ALG6 (ALG6 alpha-1,3-glucosyltransferase; plus strand). Cytogenetic location: 1p31.3.
Variant type: single nucleotide variant.
Coding change: c.1436G>T on transcript NM_013339.4 (MANE Select); coding-DNA position 1436, G replaced by T.
Protein change: p.Cys479Phe; replaces cysteine 479 with phenylalanine.
Molecular consequence: missense variant.
Genome position (GRCh38, 1-based): chr1:63,436,932, G>T. VCF-style: chr1-63436932-G-T. GRCh37 (hg19) VCF-style: chr1-63902603-G-T.
Other names: short protein forms C479F.
Identifiers: ClinVar variation 1901745 (VCV001901745.2), dbSNP rs148662517, ClinGen allele CA888451.
Genomic context (GRCh38, chr1:63,436,932, plus strand): 5'-CACTGGATCCTCCTCAGAAACTACCGGACTTGTTTTCTGTATTGGTGTGTTTTGTATCTT[G>T]CTTGAACTTCCTGTTCTTCTTGGTATACTTTAACATTATTATTATGTGGGATTCCAAAAG-3'
Protein context (NP_037471.2, residues 469-489): LFSVLVCFVS[Cys479Phe]LNFLFFLVYF

ClinVar aggregate classification (germline): Uncertain significance (1 of 4 stars; one submission).

Conditions:
ALG6-congenital disorder of glycosylation 1C (CDG1C). Also called: CDG Ic; CARBOHYDRATE-DEFICIENT GLYCOPROTEIN SYNDROME, TYPE I, WITH DEFICIENT GLYCOSYLATION OF DOLICHOL-LINKED OLIGOSACCHARIDE; CARBOHYDRATE-DEFICIENT GLYCOPROTEIN SYNDROME, TYPE V; Congenital disorder of glycosylation type 1C; Congenital disorder of glycosylation, type Ic. Identifiers: Orphanet 79320, MedGen C2930997, MONDO:0011291, OMIM 603147.

Allele frequency attached by ClinVar (database versions not stated): gnomAD exomes below 0.00001; ExAC 0.00001; TOPMed 0.00002; gnomAD 0.00003; ESP Exome Variant Server 0.00015.
gnomAD v4.1: 5 of 1,613,596 alleles (0.00031%); highest among the groups gnomAD compares: African/African-American, 0.0067%; no homozygotes.

Submission:

Labcorp Genetics (formerly Invitae), Labcorp
Classification: Uncertain significance for ALG6-congenital disorder of glycosylation 1C. Last evaluated: 2022-07-15. Review status: criteria provided, single submitter. Criteria: Invitae Variant Classification Sherloc (09022015). Collection method: clinical testing. Allele origin: germline.
Comment: This sequence change replaces cysteine, which is neutral and slightly polar, with phenylalanine, which is neutral and non-polar, at codon 479 of the ALG6 protein (p.Cys479Phe). This variant is present in population databases (rs148662517, gnomAD 0.01%). This variant has not been reported in the literature in individuals affected with ALG6-related conditions. Algorithms developed to predict the effect of missense changes on protein structure and function (SIFT, PolyPhen-2, Align-GVGD) all suggest that this variant is likely to be tolerated. In summary, the available evidence is currently insufficient to determine the role of this variant in disease. Therefore, it has been classified as a Variant of Uncertain Significance.